The following is an entry in ClinVar:

ClinVar aggregate classification (germline): Uncertain significance (1 of 4 stars; one submission).

gnomAD v4.1: 285 of 1,612,730 alleles (0.018%); highest among the groups gnomAD compares: African/African-American, 0.29%; no homozygotes.

Submission:

Labcorp Genetics (formerly Invitae), Labcorp
Classification: Uncertain significance. Last evaluated: 2025-01-22. Review status: criteria provided, single submitter. Criteria: Invitae Variant Classification Sherloc (09022015). Collection method: clinical testing. Allele origin: germline.
Comment: This sequence change replaces tyrosine, which is neutral and polar, with histidine, which is basic and polar, at codon 439 of the CYP11B1 protein (p.Tyr439His). The frequency data for this variant in the population databases is considered unreliable, as metrics indicate poor data quality at this position in the gnomAD database. This variant has not been reported in the literature in individuals affected with CYP11B1-related conditions. Invitae Evidence Modeling of protein sequence and biophysical properties (such as structural, functional, and spatial information, amino acid conservation, physicochemical variation, residue mobility, and thermodynamic stability) indicates that this missense variant is not expected to disrupt CYP11B1 protein function with a negative predictive value of 95%. In summary, the available evidence is currently insufficient to determine the role of this variant in disease. Therefore, it has been classified as a Variant of Uncertain Significance.

NM_000497.4(CYP11B1):c.1315T>C (p.Tyr439His)

Genes: CYP11B1 (cytochrome P450 family 11 subfamily B member 1; minus strand), LOC106799833 (CYP11B1 recombination region; plus strand). Cytogenetic location: 8q24.3.
Variant type: single nucleotide variant.
Coding change: c.1315T>C on transcript NM_000497.4 (MANE Select); coding-DNA position 1315, T replaced by C.
Protein change: p.Tyr439His; replaces tyrosine 439 with histidine.
Molecular consequence: missense variant. On other transcripts: intron variant (1).
Genome position (GRCh38, 1-based): chr8:142,875,040, A>G on the plus strand (T>C on the coding strand, the complement: CYP11B1 is on the minus strand). VCF-style: chr8-142875040-A-G. GRCh37 (hg19) VCF-style: chr8-143956456-A-G.
Other names: c.1200+194T>C (NM_001026213.1); short protein forms Y439H.
Identifiers: ClinVar variation 3719219 (VCV003719219.1).